The following is an entry in ClinVar:

ClinVar aggregate classification (germline): Conflicting classifications of pathogenicity. Review status: criteria provided, conflicting classifications (1 of 4 stars). 3 submissions from 3 submitters: Uncertain significance (2); Likely benign (1). Last evaluated 2026-06-10.

Conditions:
KBG syndrome (KBGS). Also called: ANKRD11-Related KBG Syndrome. Identifiers: Orphanet 2332, MedGen C0220687, MONDO:0007846, OMIM 148050.
Inborn genetic diseases. Identifiers: MedGen C0950123, MeSH D030342.

gnomAD v4.1: 1 of 1,611,270 alleles (0.000062%); highest among the groups gnomAD compares: African/African-American, 0.0013%; no homozygotes.

Submissions (3):

Ambry Genetics
Classification: Likely benign for Inborn genetic diseases. Last evaluated: 2026-06-10. Review status: criteria provided, single submitter. Criteria: Ambry Variant Classification Scheme 2023. Collection method: clinical testing. Allele origin: germline.

Labcorp Genetics (formerly Invitae), Labcorp
Classification: Uncertain significance for KBG syndrome. Last evaluated: 2024-08-05. Review status: criteria provided, single submitter. Criteria: Invitae Variant Classification Sherloc (09022015). Collection method: clinical testing. Allele origin: germline.
Comment: This sequence change replaces alanine, which is neutral and non-polar, with serine, which is neutral and polar, at codon 1242 of the ANKRD11 protein (p.Ala1242Ser). This variant is not present in population databases (gnomAD no frequency). This variant has not been reported in the literature in individuals affected with ANKRD11-related conditions. ClinVar contains an entry for this variant (Variation ID: 1676932). Advanced modeling of protein sequence and biophysical properties (such as structural, functional, and spatial information, amino acid conservation, physicochemical variation, residue mobility, and thermodynamic stability) performed at Invitae indicates that this missense variant is not expected to disrupt ANKRD11 protein function with a negative predictive value of 95%. In summary, the available evidence is currently insufficient to determine the role of this variant in disease. Therefore, it has been classified as a Variant of Uncertain Significance.

GeneDx
Classification: Uncertain significance. Last evaluated: 2021-10-12. Review status: criteria provided, single submitter. Criteria: GeneDx Variant Classification Process June 2021. Collection method: clinical testing. Allele origin: germline. Affected: yes.
Comment: Has not been previously published as pathogenic or benign to our knowledge; Not observed at significant frequency in large population cohorts (gnomAD); In silico analysis supports that this missense variant does not alter protein structure/function

NM_013275.6(ANKRD11):c.3724G>T (p.Ala1242Ser)

Gene: ANKRD11 (ankyrin repeat domain 11; minus strand). Cytogenetic location: 16q24.3.
Variant type: single nucleotide variant.
Coding change: c.3724G>T on transcript NM_013275.6 (MANE Select); coding-DNA position 3724, G replaced by T.
Protein change: p.Ala1242Ser; replaces alanine 1242 with serine.
Molecular consequence: missense variant.
Genome position (GRCh38, 1-based): chr16:89,282,818, C>A on the plus strand (G>T on the coding strand, the complement: ANKRD11 is on the minus strand). VCF-style: chr16-89282818-C-A. GRCh37 (hg19) VCF-style: chr16-89349226-C-A.
Other names: c.3724G>T (NM_013275.4); c.3724G>T, p.Ala1242Ser (NM_001256182.2, NM_001256183.2); short protein forms A1242S.
Identifiers: ClinVar variation 1676932 (VCV001676932.5), dbSNP rs1193737081, ClinGen allele CA397159152.